The following is an entry in ClinVar:

ClinVar aggregate classification (germline): Uncertain significance. Review status: criteria provided, multiple submitters, no conflicts (2 of 4 stars). 2 submissions from 2 submitters: Uncertain significance (2). Last evaluated 2026-01-25.

Allele frequency attached by ClinVar (database versions not stated): TOPMed 0.00001; gnomAD exomes 0.00003; ExAC 0.00006; ESP Exome Variant Server 0.00008.
gnomAD v4.1: 42 of 1,613,882 alleles (0.0026%); highest among the groups gnomAD compares: Non-Finnish European, 0.0035%; no homozygotes.

Submissions (2):

Labcorp Genetics (formerly Invitae), Labcorp
Classification: Uncertain significance. Last evaluated: 2026-01-25. Review status: criteria provided, single submitter. Criteria: Invitae Variant Classification Sherloc (09022015). Collection method: clinical testing. Allele origin: germline.
Comment: This sequence change replaces phenylalanine, which is neutral and non-polar, with leucine, which is neutral and non-polar, at codon 198 of the ARHGAP24 protein (p.Phe198Leu). This variant is present in population databases (rs377337392, gnomAD 0.009%). This variant has not been reported in the literature in individuals affected with ARHGAP24-related conditions. ClinVar contains an entry for this variant (Variation ID: 2411550). An algorithm developed to predict the effect of missense changes on protein structure and function (PolyPhen-2) suggests that this variant is likely to be tolerated. In summary, the available evidence is currently insufficient to determine the role of this variant in disease. Therefore, it has been classified as a Variant of Uncertain Significance.

Ambry Genetics
Classification: Uncertain significance. Last evaluated: 2022-10-26. Review status: criteria provided, single submitter. Criteria: Ambry Variant Classification Scheme 2023. Collection method: clinical testing. Allele origin: germline.

NM_001025616.3(ARHGAP24):c.594T>A (p.Phe198Leu)

Gene: ARHGAP24 (Rho GTPase activating protein 24; plus strand). Cytogenetic location: 4q21.23.
Variant type: single nucleotide variant.
Coding change: c.594T>A on transcript NM_001025616.3 (MANE Select); coding-DNA position 594, T replaced by A.
Protein change: p.Phe198Leu; replaces phenylalanine 198 with leucine.
Molecular consequence: missense variant. On other transcripts: intron variant (1).
Genome position (GRCh38, 1-based): chr4:85,942,268, T>A. VCF-style: chr4-85942268-T-A. GRCh37 (hg19) VCF-style: chr4-86863421-T-A.
Other names: c.309T>A, p.Phe103Leu (NM_001042669.2); c.339T>A, p.Phe113Leu (NM_001287805.2); c.315T>A, p.Phe105Leu (NM_031305.3); c.20+18498T>A (NM_001346093.2); short protein forms F105L, F198L, F103L, F113L.
Identifiers: ClinVar variation 2411550 (VCV002411550.3), dbSNP rs377337392, ClinGen allele CA2994524.
Genomic context (GRCh38, chr4:85,942,268, plus strand): 5'-CCAGGCTAATCTTGTTAAGGAGCTCCAAGATGCCTTTGACTGTGGGGAGAAGCCATCATT[T>A]GACAGGTAGATGTCACAATTTTACTAGCCATCTTCACTGAGAAATTCAGACTCAACTGAC-3'
Protein context (NP_001020787.2, residues 188-208): DAFDCGEKPS[Phe198Leu]DSNTDVHTVA